The following is an entry in ClinVar:

ClinVar aggregate classification (germline): Pathogenic (1 of 4 stars; one submission).

Submission:

GeneDx
Classification: Pathogenic. Last evaluated: 2016-03-17. Review status: criteria provided, single submitter. Criteria: GeneDx Variant Classification (06012015). Collection method: clinical testing. Allele origin: germline. Affected: yes.
Comment: The c.774_775delTA pathogenic variant in the WDR45 gene causes a frameshift starting with codon Aspartic acid 258, changes this amino acid to a Glutamic acid residue and creates a premature Stop codon at position 48 of the new reading frame, denoted p.Asp258GlufsX48. This pathogenic variant is predicted to cause loss of normal protein function either through protein truncation or nonsense-mediated mRNA decay. Although this variant has not been previously reported to our knowledge, other frameshift variants have been reported in the WDR45 gene in association with WDR45-related disorders (Stenson et al., 2014).

NM_001029896.2(WDR45):c.771_772del (p.Asp257fs)

Gene: WDR45 (WD repeat domain 45; minus strand). Cytogenetic location: Xp11.23.
Variant type: Deletion.
Coding change: c.771_772del on transcript NM_001029896.2 (MANE Select); coding-DNA positions 771 to 772, 2 bases deleted (TA; older notation c.771_772delTA).
Protein change: p.Asp257fs; shifts the reading frame from aspartic acid 257.
Molecular consequence: frameshift variant.
Genome position (GRCh38, 1-based): chrX:49,075,419-49,075,420, TA deleted on the plus strand (TA on the coding strand, the reverse complement: WDR45 is on the minus strand); deleting any 2 consecutive bases within chrX:49,075,419-49,075,421 gives the same sequence; the c. name uses the placement nearest the transcript's 3' end. VCF-style (leftmost placement, unchanged base first): chrX-49075418-TTA-T. GRCh37 (hg19) VCF-style: chrX-48933077-TTA-T.
Other names: c.774_775del, p.Asp258fs (NM_007075.4); c.774_775delTA (NM_007075.3); short protein forms D257fs, D258fs.
Identifiers: ClinVar variation 280391 (VCV000280391.2), dbSNP rs886041605, ClinGen allele CA10603601.
Genomic context (GRCh38, chrX:49,075,418, plus strand): 5'-ACTCACGCGGAGCGGCGGTTGAGGCGGGTATCCTTGAGAGCAAAGATATGGACAGTACCC[TTA>T]TCACTGGAAGCGCAGAGGAAGGAGGAGTCGTGGCTGAAGTTAATGCTAGAAGACAGATCA-3'